The following is an entry in ClinVar:

NC_000010.10:g.(?_55580858)_(56138703_56287571)del

Gene: PCDH15 (protocadherin related 15; minus strand). Cytogenetic location: 10q21.1.
Variant type: Deletion.
Identifiers: ClinVar variation 4847050 (VCV004847050.1).

ClinVar aggregate classification (germline): Pathogenic (1 of 4 stars; one submission).

Conditions:
Usher syndrome type 1F (USH1F). Also called: USHER SYNDROME, TYPE IF. Identifiers: Orphanet 231169, Orphanet 886, MedGen C1865885, MONDO:0011186, OMIM 602083.

Submission:

Women's Health and Genetics/Laboratory Corporation of America, LabCorp
Classification: Pathogenic for Usher syndrome type 1F. Last evaluated: 2026-03-23. Review status: criteria provided, single submitter. Criteria: LabCorp Variant Classification Summary - May 2015. Collection method: clinical testing. Allele origin: germline.
Comment: Variant summary: The variant involves the deletion of exons 4-33 in the PCDH15 gene. A presumed nomenclature of c.(157+1_158-1)_(*760_?)del has been designated for the purposes of this classification. The exact breakpoint at the distal 3' end of this variant is unknown, therefore this deletion may extend downstream of the annotated region of the gene. As it encompasses the termination codon, it is predicted to escape nonsense mediated decay (NMD). Loss-of-function variants in this gene are known to be pathogenic and variants within the deleted region have been classified as pathogenic/likely pathogenic by our lab, providing evidence that the region altered by this variant is critical to protein function. The variant was absent in 20898 control chromosomes. To our knowledge, no occurrence of c.(157+1_158-1)_(*760_?)del in individuals affected with PCDH15-related conditions and no experimental evidence demonstrating its impact on protein function have been reported. No submitters have cited clinical-significance assessments for this variant to ClinVar. Based on the evidence outlined above, the variant was classified as pathogenic.